The following is an entry in ClinVar:

NM_021009.7(UBC):c.1074T>C (p.Arg358=)

Gene: UBC (ubiquitin C; minus strand). Cytogenetic location: 12q24.31.
Variant type: single nucleotide variant.
Coding change: c.1074T>C on transcript NM_021009.7 (MANE Select); coding-DNA position 1074, T replaced by C.
Protein change: p.Arg358=; no amino-acid change (arginine 358 retained).
Molecular consequence: synonymous variant.
Genome position (GRCh38, 1-based): chr12:124,912,698, A>G on the plus strand (T>C on the coding strand, the complement: UBC is on the minus strand). VCF-style: chr12-124912698-A-G. GRCh37 (hg19) VCF-style: chr12-125397244-A-G.
Identifiers: ClinVar variation 776776 (VCV000776776.6), dbSNP rs71458876, ClinGen allele CA6870943.

ClinVar aggregate classification (germline): Benign/Likely benign. Review status: criteria provided, multiple submitters, no conflicts (2 of 4 stars). 3 submissions from 3 submitters: Benign (2); Likely benign (1). Last evaluated 2022-01-20.

Allele frequency attached by ClinVar (database versions not stated): gnomAD exomes 0.00549 and 0.00801; ExAC 0.00795; gnomAD 0.01254 and 0.01298; 1000 Genomes Project 0.01278; ESP Exome Variant Server 0.01492; 1000 Genomes Project 30x 0.01499.
gnomAD v4.1: 10,052 of 1,599,596 alleles (0.63%); highest among the groups gnomAD compares: Middle Eastern, 4.3%; 146 homozygotes.

Submissions (3):

GeneDx
Classification: Likely benign. Last evaluated: 2022-01-20. Review status: criteria provided, single submitter. Criteria: GeneDx Variant Classification Process June 2021. Collection method: clinical testing. Allele origin: germline. Affected: yes.
Comment: See Variant Classification Assertion Criteria.

Labcorp Genetics (formerly Invitae), Labcorp
Classification: Benign. Last evaluated: 2017-07-14. Review status: criteria provided, single submitter. Criteria: Invitae Variant Classification Sherloc (09022015). Collection method: clinical testing. Allele origin: germline.

Breakthrough Genomics
Classification: Benign. Review status: criteria provided, single submitter. Criteria: ACMG Guidelines, 2015. Collection method: not provided. Allele origin: germline. Inheritance: Unknown mechanism. Affected: yes.